The following is an entry in ClinVar:

ClinVar aggregate classification (germline): Uncertain significance. Review status: criteria provided, multiple submitters, no conflicts (2 of 4 stars). 2 submissions from 2 submitters: Uncertain significance (2). Last evaluated 2022-10-11.

Allele frequency attached by ClinVar (database versions not stated): gnomAD 0.00001 and 0.00002; gnomAD exomes 0.00001; TOPMed 0.00002.
gnomAD v4.1: 24 of 1,614,084 alleles (0.0015%); highest among the groups gnomAD compares: Non-Finnish European, 0.0019%; no homozygotes.

Submissions (2):

Athena Diagnostics
Classification: Uncertain significance. Last evaluated: 2022-10-11. Review status: criteria provided, single submitter. Criteria: Athena Diagnostics Criteria. Collection method: clinical testing. Allele origin: unknown.
Comment: Available data are insufficient to determine the clinical significance of the variant at this time. The frequency of this variant in the general population is uninformative in assessment of its pathogenicity. Computational tools disagree on the variant's effect on normal protein function.

Eurofins Ntd Llc (ga)
Classification: Uncertain significance. Last evaluated: 2017-04-13. Review status: criteria provided, single submitter. Criteria: EGL Classification Definitions 2015. Collection method: clinical testing. Allele origin: germline. Observed: 2 variant alleles, 2 heterozygotes.

NM_182961.4(SYNE1):c.25305G>T (p.Met8435Ile)

Gene: SYNE1 (spectrin repeat containing nuclear envelope protein 1; minus strand). Cytogenetic location: 6q25.2.
Variant type: single nucleotide variant.
Coding change: c.25305G>T on transcript NM_182961.4 (MANE Select); coding-DNA position 25305, G replaced by T.
Protein change: p.Met8435Ile; replaces methionine 8435 with isoleucine.
Molecular consequence: missense variant.
Genome position (GRCh38, 1-based): chr6:152,140,103, C>A on the plus strand (G>T on the coding strand, the complement: SYNE1 is on the minus strand). VCF-style: chr6-152140103-C-A. GRCh37 (hg19) VCF-style: chr6-152461238-C-A.
Other names: c.1911G>T, p.Met637Ile (NM_001347701.2); c.1839G>T, p.Met613Ile (NM_001347702.2); c.25161G>T, p.Met8387Ile (NM_033071.5); c.25305G>T (NM_182961.2); short protein forms M8435I, M8387I, M637I, M613I.
Identifiers: ClinVar variation 284824 (VCV000284824.6), dbSNP rs758254064, ClinGen allele CA10604918.